The following is an entry in ClinVar:

ClinVar aggregate classification (germline): Uncertain significance (1 of 4 stars; one submission).

Submission:

Labcorp Genetics (formerly Invitae), Labcorp
Classification: Uncertain significance. Last evaluated: 2025-07-14. Review status: criteria provided, single submitter. Criteria: Invitae Variant Classification Sherloc (09022015). Collection method: clinical testing. Allele origin: germline.
Comment: This sequence change replaces proline, which is neutral and non-polar, with alanine, which is neutral and non-polar, at codon 822 of the COL4A1 protein (p.Pro822Ala). This variant is not present in population databases (gnomAD no frequency). This variant has not been reported in the literature in individuals affected with COL4A1-related conditions. Invitae Evidence Modeling of protein sequence and biophysical properties (such as structural, functional, and spatial information, amino acid conservation, physicochemical variation, residue mobility, and thermodynamic stability) indicates that this missense variant is not expected to disrupt COL4A1 protein function with a negative predictive value of 95%. In summary, the available evidence is currently insufficient to determine the role of this variant in disease. Therefore, it has been classified as a Variant of Uncertain Significance.

NM_001845.6(COL4A1):c.2464C>G (p.Pro822Ala)

Gene: COL4A1 (collagen type IV alpha 1 chain; minus strand). Cytogenetic location: 13q34.
Variant type: single nucleotide variant.
Coding change: c.2464C>G on transcript NM_001845.6 (MANE Select); coding-DNA position 2464, C replaced by G.
Protein change: p.Pro822Ala; replaces proline 822 with alanine.
Molecular consequence: missense variant.
Genome position (GRCh38, 1-based): chr13:110,178,226, G>C on the plus strand (C>G on the coding strand, the complement: COL4A1 is on the minus strand). VCF-style: chr13-110178226-G-C. GRCh37 (hg19) VCF-style: chr13-110830573-G-C.
Other names: short protein forms P822A.
Identifiers: ClinVar variation 4746041 (VCV004746041.1).